The following is an entry in ClinVar:

NM_005257.6(GATA6):c.148_159dup (p.Gly53_Pro54insGlyGluArgGly)

Gene: GATA6 (GATA binding protein 6; plus strand). Cytogenetic location: 18q11.2.
Variant type: Duplication.
Coding change: c.148_159dup on transcript NM_005257.6 (MANE Select); coding-DNA positions 148 to 159, 12 bases duplicated (GGAGAGCGGGGC).
Protein change: p.Gly53_Pro54insGlyGluArgGly.
Molecular consequence: inframe insertion.
Genome position (GRCh38, 1-based): chr18:22,171,292-22,171,303, GGAGAGCGGGGC duplicated; duplicating any 12 consecutive bases within chr18:22,171,286-22,171,303 gives the same sequence; the c. name uses the placement nearest the transcript's 3' end. VCF-style (leftmost placement, unchanged base first): chr18-22171285-C-CCGGGGCGGAGAG. GRCh37 (hg19) VCF-style: chr18-19751246-C-CCGGGGCGGAGAG.
Identifiers: ClinVar variation 2148831 (VCV002148831.4), dbSNP rs2510625218, ClinGen allele CA2576468105.

ClinVar aggregate classification (germline): Uncertain significance (1 of 4 stars; one submission).

Conditions:
Atrioventricular septal defect 5 (AVSD5). Identifiers: MedGen C3280939, MONDO:0013769, OMIM 614474.

Submission:

Labcorp Genetics (formerly Invitae), Labcorp
Classification: Uncertain significance for Atrioventricular septal defect 5. Last evaluated: 2022-03-01. Review status: criteria provided, single submitter. Criteria: Invitae Variant Classification Sherloc (09022015). Collection method: clinical testing. Allele origin: germline.
Comment: This variant has not been reported in the literature in individuals affected with GATA6-related conditions. In summary, the available evidence is currently insufficient to determine the role of this variant in disease. Therefore, it has been classified as a Variant of Uncertain Significance. This variant is not present in population databases (gnomAD no frequency). This variant, c.148_159dup, results in the insertion of 4 amino acid(s) of the GATA6 protein (p.Gly50_Gly53dup), but otherwise preserves the integrity of the reading frame.